The following is an entry in ClinVar:

ClinVar aggregate classification (germline): Uncertain significance (1 of 4 stars; one submission).

gnomAD v4.1: 20 of 1,613,826 alleles (0.0012%); highest among the groups gnomAD compares: East Asian, 0.0022%; no homozygotes.

Submission:

Labcorp Genetics (formerly Invitae), Labcorp
Classification: Uncertain significance. Last evaluated: 2026-01-13. Review status: criteria provided, single submitter. Criteria: Invitae Variant Classification Sherloc (09022015). Collection method: clinical testing. Allele origin: germline.
Comment: The TCF3 gene has multiple clinically relevant transcripts. This variant occurs in alternate transcript NM_001136139.3, and corresponds to NM_003200.4: c.1823-514G>A in the primary transcript. This sequence change replaces alanine, which is neutral and non-polar, with threonine, which is neutral and polar, at codon 553 of the TCF3 protein (p.Ala553Thr). This variant is present in population databases (rs759178145, gnomAD 0.006%). This variant has not been reported in the literature in individuals affected with TCF3-related conditions. In summary, the available evidence is currently insufficient to determine the role of this variant in disease. Therefore, it has been classified as a Variant of Uncertain Significance.

NM_001136139.4(TCF3):c.1657G>A (p.Ala553Thr)

Gene: TCF3 (transcription factor 3; minus strand). Cytogenetic location: 19p13.3.
Variant type: single nucleotide variant.
Coding change: c.1657G>A on transcript NM_001136139.4 (MANE Plus Clinical); coding-DNA position 1657, G replaced by A.
Protein change: p.Ala553Thr; replaces alanine 553 with threonine.
Molecular consequence: missense variant. On other transcripts: intron variant (2).
Genome position (GRCh38, 1-based): chr19:1,612,363, C>T on the plus strand (G>A on the coding strand, the complement: TCF3 is on the minus strand). VCF-style: chr19-1612363-C-T. GRCh37 (hg19) VCF-style: chr19-1612362-C-T.
Other names: c.1657G>A, p.Ala553Thr (NM_001351779.2); c.1820-514G>A (NM_001351778.2); c.1823-514G>A (NM_003200.5); short protein forms A553T.
Identifiers: ClinVar variation 4769501 (VCV004769501.1).